The following is an entry in ClinVar:

NM_015047.3(EMC1):c.1459C>T (p.Arg487Cys)

Genes: EMC1 (ER membrane protein complex subunit 1; minus strand), EMC1-AS1 (EMC1 antisense RNA 1; plus strand). Cytogenetic location: 1p36.13.
Variant type: single nucleotide variant.
Coding change: c.1459C>T on transcript NM_015047.3 (MANE Select); coding-DNA position 1459, C replaced by T.
Protein change: p.Arg487Cys; replaces arginine 487 with cysteine.
Molecular consequence: missense variant.
Genome position (GRCh38, 1-based): chr1:19,233,109, G>A on the plus strand (C>T on the coding strand, the complement: EMC1 is on the minus strand). VCF-style: chr1-19233109-G-A. GRCh37 (hg19) VCF-style: chr1-19559603-G-A.
Other names: c.1456C>T, p.Arg486Cys (NM_001271427.2, NM_001271428.2); c.1393C>T, p.Arg465Cys (NM_001271429.2); c.1468C>T, p.Arg490Cys (NM_001375820.1); c.1465C>T, p.Arg489Cys (NM_001375821.1); short protein forms R490C, R465C, R487C, R489C, R486C.
Identifiers: ClinVar variation 1472406 (VCV001472406.6), dbSNP rs2093536644, ClinGen allele CA338763182.

ClinVar aggregate classification (germline): Uncertain significance (1 of 4 stars; one submission).

Allele frequency attached by ClinVar (database versions not stated): gnomAD exomes 0.00001.
gnomAD v4.1: 15 of 1,614,070 alleles (0.00093%); highest among the groups gnomAD compares: Non-Finnish European, 0.0012%; no homozygotes.

Submission:

Labcorp Genetics (formerly Invitae), Labcorp
Classification: Uncertain significance. Last evaluated: 2022-03-19. Review status: criteria provided, single submitter. Criteria: Invitae Variant Classification Sherloc (09022015). Collection method: clinical testing. Allele origin: germline.
Comment: This variant has not been reported in the literature in individuals affected with EMC1-related conditions. In summary, the available evidence is currently insufficient to determine the role of this variant in disease. Therefore, it has been classified as a Variant of Uncertain Significance. Algorithms developed to predict the effect of missense changes on protein structure and function (SIFT, PolyPhen-2, Align-GVGD) all suggest that this variant is likely to be disruptive. This variant is not present in population databases (gnomAD no frequency). This sequence change replaces arginine, which is basic and polar, with cysteine, which is neutral and slightly polar, at codon 487 of the EMC1 protein (p.Arg487Cys).